The following is an entry in ClinVar:

ClinVar aggregate classification (germline): Uncertain significance. Review status: criteria provided, multiple submitters, no conflicts (2 of 4 stars). 3 submissions from 3 submitters: Uncertain significance (3). Last evaluated 2025-06-17.

Conditions:
Inborn genetic diseases. Identifiers: MedGen C0950123, MeSH D030342.
Junctional epidermolysis bullosa, non-Herlitz type. Also called: EPIDERMOLYSIS BULLOSA JUNCTIONALIS, DISENTIS TYPE; EPIDERMOLYSIS BULLOSA JUNCTIONALIS, NON-HERLITZ TYPE; EPIDERMOLYSIS BULLOSA JUNCTIONALIS, PROGRESSIVE; EPIDERMOLYSIS BULLOSA JUNCTIONALIS, SEVERE NONLETHAL; Adult junctional epidermolysis bullosa; Epidermolysis bullosa, junctional, non-herlitz type, somatic mosaic revertant. Identifiers: Orphanet 251393, Orphanet 79402, Orphanet 79405, Orphanet 89840, MedGen C0268374, MONDO:0009180, OMIM 226650.

Allele frequency attached by ClinVar (database versions not stated): ExAC 0.00001; gnomAD 0.00003; TOPMed 0.00006; ESP Exome Variant Server 0.00008.
gnomAD v4.1: 79 of 1,606,560 alleles (0.0049%); highest among the groups gnomAD compares: Non-Finnish European, 0.0063%; no homozygotes.

Submissions (3):

Labcorp Genetics (formerly Invitae), Labcorp
Classification: Uncertain significance. Last evaluated: 2025-06-17. Review status: criteria provided, single submitter. Criteria: Invitae Variant Classification Sherloc (09022015). Collection method: clinical testing. Allele origin: germline.
Comment: This sequence change replaces proline, which is neutral and non-polar, with alanine, which is neutral and non-polar, at codon 881 of the COL17A1 protein (p.Pro881Ala). This variant is present in population databases (rs373441666, gnomAD 0.004%). This variant has not been reported in the literature in individuals affected with COL17A1-related conditions. ClinVar contains an entry for this variant (Variation ID: 298707). Invitae Evidence Modeling of protein sequence and biophysical properties (such as structural, functional, and spatial information, amino acid conservation, physicochemical variation, residue mobility, and thermodynamic stability) indicates that this missense variant is not expected to disrupt COL17A1 protein function with a negative predictive value of 80%. In summary, the available evidence is currently insufficient to determine the role of this variant in disease. Therefore, it has been classified as a Variant of Uncertain Significance.

Ambry Genetics
Classification: Uncertain significance for Inborn genetic diseases. Last evaluated: 2025-05-28. Review status: criteria provided, single submitter. Criteria: Ambry Variant Classification Scheme 2023. Collection method: clinical testing. Allele origin: germline.

Illumina Laboratory Services, Illumina
Classification: Uncertain significance for Junctional epidermolysis bullosa, non-Herlitz type. Last evaluated: 2018-01-12. Review status: criteria provided, single submitter. Criteria: ICSL Variant Classification Criteria 13 December 2019. Collection method: clinical testing. Allele origin: germline.

NM_000494.4(COL17A1):c.2641C>G (p.Pro881Ala)

Gene: COL17A1 (collagen type XVII alpha 1 chain; minus strand). Cytogenetic location: 10q25.1.
Variant type: single nucleotide variant.
Coding change: c.2641C>G on transcript NM_000494.4 (MANE Select); coding-DNA position 2641, C replaced by G.
Protein change: p.Pro881Ala; replaces proline 881 with alanine.
Molecular consequence: missense variant.
Genome position (GRCh38, 1-based): chr10:104,041,309, G>C on the plus strand (C>G on the coding strand, the complement: COL17A1 is on the minus strand). VCF-style: chr10-104041309-G-C. GRCh37 (hg19) VCF-style: chr10-105801067-G-C.
Other names: c.2641C>G, p.Pro881Ala (LRG_1249t1); short protein forms P881A.
Identifiers: ClinVar variation 298707 (VCV000298707.7), dbSNP rs373441666, ClinGen allele CA5678355.